The following is an entry in ClinVar:

ClinVar aggregate classification (germline): Uncertain significance (1 of 4 stars; one submission).

Submission:

GeneDx
Classification: Uncertain significance. Last evaluated: 2024-11-11. Review status: criteria provided, single submitter. Criteria: GeneDx Variant Classification Process June 2021. Collection method: clinical testing. Allele origin: germline. Affected: yes.
Comment: Frameshift variant predicted to result in abnormal protein length as the last 8 amino acids are replaced with 36 different amino acids; Not observed at significant frequency in large population cohorts (gnomAD); Has not been previously published as pathogenic or benign to our knowledge

NM_020822.3(KCNT1):c.3681del (p.Glu1228fs)

Gene: KCNT1 (potassium sodium-activated channel subfamily T member 1; plus strand). Cytogenetic location: 9q34.3.
Variant type: Deletion.
Coding change: c.3681del on transcript NM_020822.3 (MANE Select); coding-DNA position 3681, one base deleted (C; older notation c.3681delC).
Protein change: p.Glu1228fs; shifts the reading frame from glutamic acid 1228.
Molecular consequence: frameshift variant.
Genome position (GRCh38, 1-based): chr9:135,792,134, C deleted; the last of 4 consecutive C bases (chr9:135,792,131-135,792,134); deleting any one gives the same sequence. VCF-style (leftmost placement, unchanged base first): chr9-135792130-AC-A. GRCh37 (hg19) VCF-style: chr9-138683976-AC-A.
Other names: c.3609del, p.Glu1204fs (NM_001272003.2); short protein forms E1204fs, E1228fs.
Identifiers: ClinVar variation 3899153 (VCV003899153.1).